The following is an entry in ClinVar:

ClinVar aggregate classification (germline): Uncertain significance. Review status: criteria provided, multiple submitters, no conflicts (2 of 4 stars). 3 submissions from 3 submitters: Uncertain significance (3). Last evaluated 2025-03-26.

Conditions:
RASopathy. Also called: rasopathies; Noonan spectrum disorder. Identifiers: Orphanet 536391, MedGen C5555857, MONDO:0021060.
Noonan syndrome-like disorder with loose anagen hair 1 (NSLH1). Also called: TOSTI SYNDROME; MAZZANTI SYNDROME. Identifiers: Orphanet 2701, MedGen C4478716, MONDO:0054637, OMIM 607721.

Allele frequency attached by ClinVar (database versions not stated): gnomAD exomes 0.00001; gnomAD 0.00001.
gnomAD v4.1: 9 of 1,613,082 alleles (0.00056%); highest among the groups gnomAD compares: East Asian, 0.0022%; no homozygotes.

Submissions (3):

Labcorp Genetics (formerly Invitae), Labcorp
Classification: Uncertain significance for RASopathy. Last evaluated: 2025-03-26. Review status: criteria provided, single submitter. Criteria: Invitae Variant Classification Sherloc (09022015). Collection method: clinical testing. Allele origin: germline.
Comment: This sequence change replaces valine, which is neutral and non-polar, with isoleucine, which is neutral and non-polar, at codon 18 of the SHOC2 protein (p.Val18Ile). This variant is present in population databases (no rsID available, gnomAD 0.006%). This variant has not been reported in the literature in individuals affected with SHOC2-related conditions. ClinVar contains an entry for this variant (Variation ID: 652343). An algorithm developed to predict the effect of missense changes on protein structure and function (PolyPhen-2) suggests that this variant is likely to be tolerated. In summary, the available evidence is currently insufficient to determine the role of this variant in disease. Therefore, it has been classified as a Variant of Uncertain Significance.

Clinical Genomics Laboratory, Stanford Medicine
Classification: Uncertain significance for Noonan syndrome-like disorder with loose anagen hair 1. Last evaluated: 2022-12-20. Review status: criteria provided, single submitter. Criteria: ACMG Guidelines, 2015. Collection method: clinical testing. Allele origin: germline. Observed: 1 variant allele, 1 heterozygote.
Comment: The p.Val18Ile variant in the SHOC2 gene has not been previously reported in association with disease. This variant has been identified in 1/18,208 East Asian chromosomes by the Genome Aggregation Database. This variant is present in ClinVar (Accession: VCV000652343.14). Computational tools predict that this variant does not impact protein function; however, the accuracy of in silico algorithms is limited. These data were assessed using the ACMG/AMP variant interpretation guidelines. In summary, the significance of the p.Val18Ile variant is uncertain. Additional information is needed to resolve the significance of this variant. [ACMG evidence codes used: BP4]

GeneDx
Classification: Uncertain significance. Last evaluated: 2021-03-26. Review status: criteria provided, single submitter. Criteria: GeneDx Variant Classification Process June 2021. Collection method: clinical testing. Allele origin: germline. Affected: yes.
Comment: Has not been previously published as pathogenic or benign to our knowledge; In silico analysis supports that this missense variant does not alter protein structure/function

NM_007373.4(SHOC2):c.52G>A (p.Val18Ile)

Gene: SHOC2 (SHOC2 leucine rich repeat scaffold protein; plus strand). Cytogenetic location: 10q25.2.
Variant type: single nucleotide variant.
Coding change: c.52G>A on transcript NM_007373.4 (MANE Select); coding-DNA position 52, G replaced by A.
Protein change: p.Val18Ile; replaces valine 18 with isoleucine.
Molecular consequence: missense variant.
Genome position (GRCh38, 1-based): chr10:110,964,410, G>A. VCF-style: chr10-110964410-G-A. GRCh37 (hg19) VCF-style: chr10-112724168-G-A.
Other names: c.52G>A, p.Val18Ile (NM_001269039.3, NM_001324336.2, NM_001324337.2); short protein forms V18I.
Identifiers: ClinVar variation 652343 (VCV000652343.15), dbSNP rs1226932309, ClinGen allele CA378380699.